The following is an entry in ClinVar:

NM_032242.4(PLXNA1):c.4152C>T (p.Arg1384=)

Gene: PLXNA1 (plexin A1; plus strand). Cytogenetic location: 3q21.3.
Variant type: single nucleotide variant.
Coding change: c.4152C>T on transcript NM_032242.4 (MANE Select); coding-DNA position 4152, C replaced by T.
Protein change: p.Arg1384=; no amino-acid change (arginine 1384 retained).
Molecular consequence: synonymous variant.
Genome position (GRCh38, 1-based): chr3:127,022,198, C>T. VCF-style: chr3-127022198-C-T. GRCh37 (hg19) VCF-style: chr3-126741041-C-T.
Identifiers: ClinVar variation 782743 (VCV000782743.21), dbSNP rs150052583, ClinGen allele CA2594247.

ClinVar aggregate classification (germline): Benign. Review status: criteria provided, multiple submitters, no conflicts (2 of 4 stars). 4 submissions from 4 submitters: Benign (3). 1 of the submissions does not count toward it. Last evaluated 2026-10-01.

Conditions:
PLXNA1-related disorder. Also called: PLXNA1-related condition.

Allele frequency attached by ClinVar (database versions not stated): 1000 Genomes Project 0.00559; 1000 Genomes Project 30x 0.00578; ESP Exome Variant Server 0.00800; gnomAD 0.00800 and 0.00818; TOPMed 0.00917.
gnomAD v4.1: 14,984 of 1,613,374 alleles (0.93%); highest among the groups gnomAD compares: Admixed American, 1.2%; 97 homozygotes.

Submissions (4):

CeGaT Center for Human Genetics Tuebingen
Classification: Benign. Last evaluated: 2026-10-01. Review status: criteria provided, single submitter. Criteria: CeGaT Center For Human Genetics Tuebingen Variant Classification Criteria Version 2. Collection method: clinical testing. Allele origin: germline. Affected: yes. Observed: 11 variant alleles.
Comment: PLXNA1: BP4, BP7, BS1, BS2

Labcorp Genetics (formerly Invitae), Labcorp
Classification: Benign. Last evaluated: 2026-02-01. Review status: criteria provided, single submitter. Criteria: Invitae Variant Classification Sherloc (09022015). Collection method: clinical testing. Allele origin: germline.

Breakthrough Genomics
Classification: Benign. Review status: criteria provided, single submitter. Criteria: ACMG Guidelines, 2015. Collection method: not provided. Allele origin: germline. Inheritance: Autosomal recessive inheritance. Affected: yes.

PreventionGenetics, part of Exact Sciences
Classification: Benign for PLXNA1-related condition. Last evaluated: 2021-08-19. Review status: no assertion criteria provided. Collection method: clinical testing. Allele origin: germline. Not counted in ClinVar's aggregate classification.
Comment: This variant is classified as benign based on ACMG/AMP sequence variant interpretation guidelines (Richards et al. 2015 PMID: 25741868, with internal and published modifications).